The following is an entry in ClinVar:

ClinVar aggregate classification (germline): Conflicting classifications of pathogenicity. Review status: criteria provided, conflicting classifications (1 of 4 stars). 8 submissions from 8 submitters: Uncertain significance (2); Likely benign (6). Last evaluated 2026-01-22.

Conditions:
MSH3-related disorder. Also called: MSH3-related condition.
Hereditary cancer-predisposing syndrome. Also called: Hereditary Cancer Syndrome; Tumor predisposition; Hereditary neoplastic syndrome; Neoplastic Syndromes, Hereditary. Identifiers: Orphanet 140162, MedGen C0027672, MeSH D009386, MONDO:0015356.

Allele frequency attached by ClinVar (database versions not stated): ExAC 0.00008; gnomAD 0.00013; TOPMed 0.00013; ESP Exome Variant Server 0.00031.
gnomAD v4.1: 277 of 1,613,938 alleles (0.017%); highest among the groups gnomAD compares: Non-Finnish European, 0.021%; no homozygotes.

Submissions (8):

Labcorp Genetics (formerly Invitae), Labcorp
Classification: Likely benign. Last evaluated: 2026-01-22. Review status: criteria provided, single submitter. Criteria: Invitae Variant Classification Sherloc (09022015). Collection method: clinical testing. Allele origin: germline.

Center for Genomic Medicine, Rigshospitalet, Copenhagen University Hospital
Classification: Likely benign. Last evaluated: 2025-03-04. Review status: criteria provided, single submitter. Criteria: ACMG Guidelines, 2015. Collection method: clinical testing. Allele origin: germline.

Blueprint Genetics
Classification: Likely benign. Last evaluated: 2024-11-25. Review status: criteria provided, single submitter. Criteria: ACMG Guidelines, 2015. Collection method: clinical testing. Allele origin: germline.

PreventionGenetics, part of Exact Sciences
Classification: Likely benign for MSH3-related condition. Last evaluated: 2024-10-03. Review status: criteria provided, single submitter. Criteria: ACMG Guidelines, 2015. Collection method: clinical testing. Allele origin: germline.
Comment: This variant is classified as likely benign based on ACMG/AMP sequence variant interpretation guidelines (Richards et al. 2015 PMID: 25741868, with internal and published modifications).

CeGaT Center for Human Genetics Tuebingen
Classification: Likely benign. Last evaluated: 2024-04-01. Review status: criteria provided, single submitter. Criteria: CeGaT Center For Human Genetics Tuebingen Variant Classification Criteria Version 2. Collection method: clinical testing. Allele origin: germline. Affected: yes. Observed: 3 variant alleles.
Comment: MSH3: BP4, BP7

Genetic Services Laboratory, University of Chicago
Classification: Uncertain significance. Last evaluated: 2021-12-02. Review status: criteria provided, single submitter. Criteria: ACMG Guidelines, 2015. Collection method: clinical testing. Allele origin: germline. Affected: no.

Sema4
Classification: Uncertain significance for Hereditary cancer-predisposing syndrome. Last evaluated: 2021-06-23. Review status: criteria provided, single submitter. Criteria: Sema4 Curation Guidelines. Collection method: curation. Allele origin: germline.
Comment: The MSH3 c.1194C>T (p.G398=) variant has not been reported in the literature to our knowledge. It was observed in 20/129036 chromosomes of the Non-Finnish European subpopulation in the large and broad cohorts of the Genome Aggregation Database (PMID: 32461654). The variant has been reported in ClinVar (Variation ID 757367). In silico tools suggest that the variant may have an impact on splicing, though these predictions have not been confirmed by functional studies. The evidence is insufficient to meet ACMG/AMP criteria for classifying the variant as benign or pathogenic. Thus, the clinical significance of this variant is currently uncertain.

Ambry Genetics
Classification: Likely benign for Hereditary cancer-predisposing syndrome. Last evaluated: 2020-12-31. Review status: criteria provided, single submitter. Criteria: Ambry Variant Classification Scheme 2023. Collection method: clinical testing. Allele origin: germline.

NM_002439.5(MSH3):c.1194C>T (p.Gly398=)

Gene: MSH3 (mutS homolog 3; plus strand). Cytogenetic location: 5q14.1.
Variant type: single nucleotide variant.
Coding change: c.1194C>T on transcript NM_002439.5 (MANE Select); coding-DNA position 1194, C replaced by T.
Protein change: p.Gly398=; no amino-acid change (glycine 398 retained).
Molecular consequence: synonymous variant.
Genome position (GRCh38, 1-based): chr5:80,678,947, C>T. VCF-style: chr5-80678947-C-T. GRCh37 (hg19) VCF-style: chr5-79974766-C-T.
Identifiers: ClinVar variation 757367 (VCV000757367.45), dbSNP rs141118996, ClinGen allele CA3327833.